The following is an entry in ClinVar:

NM_018238.4(AGK):c.1079T>G (p.Val360Gly)

Gene: AGK (acylglycerol kinase; plus strand). Cytogenetic location: 7q34.
Variant type: single nucleotide variant.
Coding change: c.1079T>G on transcript NM_018238.4 (MANE Select); coding-DNA position 1079, T replaced by G.
Protein change: p.Val360Gly; replaces valine 360 with glycine.
Molecular consequence: missense variant.
Genome position (GRCh38, 1-based): chr7:141,651,557, T>G. VCF-style: chr7-141651557-T-G. GRCh37 (hg19) VCF-style: chr7-141351357-T-G.
Other names: short protein forms V360G.
Identifiers: ClinVar variation 1481737 (VCV001481737.8), dbSNP rs748320721, ClinGen allele CA4517671.
Genomic context (GRCh38, chr7:141,651,557, plus strand): 5'-TTAAGCTTGCTTTTTCCTGTGCTCACAGAAGTCGAAAGGTGAGAAACCCCAAGCTGCACG[T>G]GGAGGGCACGGAGTGTCTCCAAGCCAGCCAGTGCACTTTGCTTATCCCGGAGGTGAGTGG-3'
Protein context (NP_060708.1, residues 350-370): SRKVRNPKLH[Val360Gly]EGTECLQASQ

ClinVar aggregate classification (germline): Uncertain significance (1 of 4 stars; one submission).

Conditions:
Cataract 38. Also called: Cataract 38, autosomal recessive; Cataract, autosomal recessive congenital 5. Identifiers: Orphanet 91492, MedGen C3553494, MONDO:0013859, OMIM 614691.
Sengers syndrome. Also called: MITOCHONDRIAL DNA DEPLETION SYNDROME 10 (CARDIOMYOPATHIC TYPE); Cardiomyopathy and cataract. Identifiers: Orphanet 1369, MedGen C1859317, MONDO:0008922, OMIM 212350.

Allele frequency attached by ClinVar (database versions not stated): gnomAD exomes below 0.00001; ExAC 0.00001.

Submission:

Labcorp Genetics (formerly Invitae), Labcorp
Classification: Uncertain significance for Sengers syndrome; Cataract 38. Last evaluated: 2022-06-28. Review status: criteria provided, single submitter. Criteria: Invitae Variant Classification Sherloc (09022015). Collection method: clinical testing. Allele origin: germline.
Comment: This variant has not been reported in the literature in individuals affected with AGK-related conditions. Algorithms developed to predict the effect of missense changes on protein structure and function (SIFT, PolyPhen-2, Align-GVGD) all suggest that this variant is likely to be tolerated. Algorithms developed to predict the effect of sequence changes on RNA splicing suggest that this variant may disrupt the consensus splice site. In summary, the available evidence is currently insufficient to determine the role of this variant in disease. Therefore, it has been classified as a Variant of Uncertain Significance. This sequence change replaces valine, which is neutral and non-polar, with glycine, which is neutral and non-polar, at codon 360 of the AGK protein (p.Val360Gly). This variant is present in population databases (rs748320721, gnomAD 0.0009%).